The following is an entry in ClinVar:

NM_020778.5(ALPK3):c.3263C>G (p.Ala1088Gly)

Gene: ALPK3 (alpha kinase 3; plus strand). Cytogenetic location: 15q25.3.
Variant type: single nucleotide variant.
Coding change: c.3263C>G on transcript NM_020778.5 (MANE Select); coding-DNA position 3263, C replaced by G.
Protein change: p.Ala1088Gly; replaces alanine 1088 with glycine.
Molecular consequence: missense variant.
Genome position (GRCh38, 1-based): chr15:84,858,001, C>G. VCF-style: chr15-84858001-C-G. GRCh37 (hg19) VCF-style: chr15-85401232-C-G.
Other names: short protein forms A1088G.
Identifiers: ClinVar variation 4727272 (VCV004727272.1).

ClinVar aggregate classification (germline): Uncertain significance (1 of 4 stars; one submission).

Submission:

Labcorp Genetics (formerly Invitae), Labcorp
Classification: Uncertain significance. Last evaluated: 2025-09-15. Review status: criteria provided, single submitter. Criteria: Invitae Variant Classification Sherloc (09022015). Collection method: clinical testing. Allele origin: germline.
Comment: This sequence change replaces alanine, which is neutral and non-polar, with glycine, which is neutral and non-polar, at codon 1290 of the ALPK3 protein (p.Ala1290Gly). This variant is not present in population databases (gnomAD no frequency). This variant has not been reported in the literature in individuals affected with ALPK3-related conditions. An algorithm developed to predict the effect of missense changes on protein structure and function (PolyPhen-2) suggests that this variant is likely to be tolerated. In summary, the available evidence is currently insufficient to determine the role of this variant in disease. Therefore, it has been classified as a Variant of Uncertain Significance.